The following is an entry in ClinVar:

NM_003060.4(SLC22A5):c.1052+5G>A

Gene: SLC22A5 (solute carrier family 22 member 5; plus strand). Cytogenetic location: 5q31.1.
Variant type: single nucleotide variant.
Coding change: c.1052+5G>A on transcript NM_003060.4 (MANE Select); 5 bases into the intron after coding-DNA position 1052, G replaced by A.
Molecular consequence: intron variant.
Genome position (GRCh38, 1-based): chr5:132,389,026, G>A. VCF-style: chr5-132389026-G-A. GRCh37 (hg19) VCF-style: chr5-131724718-G-A.
Other names: c.1124+5G>A (NM_001308122.2).
Identifiers: ClinVar variation 429518 (VCV000429518.5), dbSNP rs927950152, ClinGen allele CA127211591.

ClinVar aggregate classification (germline): Conflicting classifications of pathogenicity. Review status: criteria provided, conflicting classifications (1 of 4 stars). 3 submissions from 3 submitters: Likely pathogenic (1); Uncertain significance (1). 1 of the submissions does not count toward it. Last evaluated 2021-07-15.

Conditions:
Renal carnitine transport defect (CDSP). Also called: CARNITINE DEFICIENCY, SYSTEMIC, DUE TO DEFECT IN RENAL REABSORPTION OF CARNITINE; CARNITINE TRANSPORTER, PLASMA-MEMBRANE, DEFICIENCY OF; CARNITINE UPTAKE DEFECT; Systemic primary carnitine deficiency; Primary carnitine deficiency; Carnitine transporter deficiency. Identifiers: Orphanet 158, MedGen C0342788, MONDO:0008919, OMIM 212140.

Allele frequency attached by ClinVar (database versions not stated): gnomAD exomes below 0.00001.
gnomAD v4.1: 1 of 1,592,550 alleles (0.000063%); highest among the groups gnomAD compares: Admixed American, 0.0017%; no homozygotes.

Submissions (3):

Genome-Nilou Lab
Classification: Uncertain significance for Renal carnitine transport defect. Last evaluated: 2021-07-15. Review status: criteria provided, single submitter. Criteria: ACMG Guidelines, 2015. Collection method: clinical testing. Allele origin: germline. Affected: no.

GeneDx
Classification: Likely pathogenic. Last evaluated: 2015-07-30. Review status: criteria provided, single submitter. Criteria: GeneDx Variant Classification (06012015). Collection method: clinical testing. Allele origin: germline. Affected: yes.
Comment: The c.1052+5 G>A variant has not been published as a pathogenic variant, nor has it been reported as a benign polymorphism to our knowledge. Several in-silico splice prediction models predict that c.1052+5 G>A damages the splice donor site of intron 6 which may lead to abnormal gene splicing. However, in the absence of RNA/functional studies, the actual effect of this sequence change in this individual is unknown. Therefore, this variant is a strong candidate for a pathogenic variant, however the possibility that it is a benign variant cannot be excluded.

Counsyl
Classification: Uncertain significance for Renal carnitine transport defect. Last evaluated: 2018-01-04. Review status: no assertion criteria provided. Collection method: clinical testing. Allele origin: unknown. Not counted in ClinVar's aggregate classification.